The following is an entry in ClinVar:

NM_018006.5(TRMU):c.4C>T (p.Gln2Ter)

Gene: TRMU (tRNA mitochondrial 2-thiouridylase; plus strand). Cytogenetic location: 22q13.31.
Variant type: single nucleotide variant.
Coding change: c.4C>T on transcript NM_018006.5 (MANE Select); coding-DNA position 4, C replaced by T.
Protein change: p.Gln2Ter; replaces glutamine 2 with a stop codon.
Molecular consequence: nonsense. On other transcripts: 5 prime UTR variant (3), non-coding transcript variant (2).
Genome position (GRCh38, 1-based): chr22:46,335,768, C>T. VCF-style: chr22-46335768-C-T. GRCh37 (hg19) VCF-style: chr22-46731665-C-T.
Other names: c.-232C>T (NM_001282782.2); c.-251C>T (NM_001282783.2, NM_001282784.2); c.4C>T, p.Gln2Ter (NM_001282785.2); short protein forms Q2*.
Identifiers: ClinVar variation 1382748 (VCV001382748.7), dbSNP rs1464059546, ClinGen allele CA411938814.

ClinVar aggregate classification (germline): Pathogenic/Likely pathogenic. Review status: criteria provided, multiple submitters, no conflicts (2 of 4 stars). 2 submissions from 2 submitters: Pathogenic (1); Likely pathogenic (1). Last evaluated 2023-12-13.

Conditions:
Aminoglycoside-induced deafness. Also called: STREPTOMYCIN OTOTOXICITY; DEAFNESS, STREPTOMYCIN-INDUCED; MT-RNR1-Related Hearing Loss and Deafness. Identifiers: Orphanet 168609, MedGen C1838854, MONDO:0010799, OMIM 580000.

Allele frequency attached by ClinVar (database versions not stated): gnomAD 0.00001.

Submissions (2):

Baylor Genetics
Classification: Likely pathogenic for Aminoglycoside-induced deafness. Last evaluated: 2023-12-13. Review status: criteria provided, single submitter. Criteria: ACMG Guidelines, 2015. Collection method: clinical testing. Allele origin: unknown.

Labcorp Genetics (formerly Invitae), Labcorp
Classification: Pathogenic. Last evaluated: 2021-07-25. Review status: criteria provided, single submitter. Criteria: Invitae Variant Classification Sherloc (09022015). Collection method: clinical testing. Allele origin: germline.
Comment: This sequence change creates a premature translational stop signal (p.Gln2*) in the TRMU gene. It is expected to result in an absent or disrupted protein product. Loss-of-function variants in TRMU are known to be pathogenic (PMID: 19732863, 23625533). The frequency data for this variant in the population databases is considered unreliable, as metrics indicate insufficient coverage at this position in the ExAC database. This variant has not been reported in the literature in individuals affected with TRMU-related conditions. For these reasons, this variant has been classified as Pathogenic. Algorithms developed to predict the effect of sequence changes on RNA splicing suggest that this variant may create or strengthen a splice site.

Literature cited by the submitters: PubMed 19732863 (cited by Labcorp Genetics (formerly Invitae), Labcorp); PubMed 23625533 (cited by Labcorp Genetics (formerly Invitae), Labcorp).